The following is an entry in ClinVar:

NM_000237.3(LPL):c.836T>G (p.Leu279Arg)

Gene: LPL (lipoprotein lipase; plus strand). Cytogenetic location: 8p21.3.
Variant type: single nucleotide variant.
Coding change: c.836T>G on transcript NM_000237.3 (MANE Select); coding-DNA position 836, T replaced by G.
Protein change: p.Leu279Arg; replaces leucine 279 with arginine.
Molecular consequence: missense variant.
Genome position (GRCh38, 1-based): chr8:19,955,901, T>G. VCF-style: chr8-19955901-T-G. GRCh37 (hg19) VCF-style: chr8-19813412-T-G.
Other names: short protein forms L279R.
Identifiers: ClinVar variation 851236 (VCV000851236.15), dbSNP rs35414700, ClinGen allele CA173378278.

ClinVar aggregate classification (germline): Pathogenic. Review status: criteria provided, multiple submitters, no conflicts (2 of 4 stars). 5 submissions from 5 submitters: Pathogenic (5). Last evaluated 2026-05-25.

Conditions:
Cardiovascular phenotype. Identifiers: MedGen CN230736.
Hyperlipoproteinemia, type I. Also called: HYPERLIPOPROTEINEMIA, TYPE IA; LPL DEFICIENCY; Lipoprotein Lipase Deficiency; Familial Lipoprotein Lipase Deficiency; Lipase D deficiency; Hyperlipoproteinemia type 1. Identifiers: Orphanet 309015, Orphanet 444490, MedGen C0023817, MONDO:0009387, OMIM 238600. Disease mechanism: loss of function.
LPL-related disorder. Also called: LPL-related condition.

Allele frequency attached by ClinVar (database versions not stated): gnomAD 0.00001; gnomAD exomes 0.00001.

Submissions (5):

PreventionGenetics, part of Exact Sciences
Classification: Pathogenic for LPL-related condition. Last evaluated: 2026-05-25. Review status: criteria provided, single submitter. Criteria: ACMG Guidelines, 2015. Collection method: clinical testing. Allele origin: germline.
Comment: The LPL c.836T>G variant is predicted to result in the amino acid substitution p.Leu279Arg. This variant is also referred to as Leu252Arg using legacy nomenclature. This variant has been reported in the homozygous or compound heterozygous state in individuals with lipoprotein lipase deficiency (see, for example: Ma et al. 1994. PubMed ID: 8077845; Chan et al. 2000. PubMed ID: 10619999; Wu et al. 2021. PubMed ID: 34544385). In vitro experimental studies indicate this variant impacts protein function (Ma et al. 1994. PubMed ID: 8077845; Chan et al. 2000. PubMed ID: 10619999). This variant is reported in 0.025% of alleles in individuals of East Asian descent in gnomAD. Another missense variant affecting the same amino acid (p.Leu279Val) has also been reported in individuals with lipoprotein lipase deficiency (Kao et al. 1999. PubMed ID: 10560236). This variant is interpreted as pathogenic.

Natera, Inc.
Classification: Pathogenic for Lipoprotein lipase deficiency. Last evaluated: 2025-05-27. Review status: criteria provided, single submitter. Criteria: Natera Variant Classification Schema (03/2026). Collection method: clinical testing. Allele origin: germline.
Comment: The c.836T>G variant in LPL is a missense variant predicted to cause substitution of leucine to arginine at amino acid 279. This variant is rare in the general population with a frequency below the threshold expected for the associated phenotype(s). This variant has been observed in one or more individuals affected with the associated recessive disease, as either homozygous or compound heterozygous with a second variant (PMID: 27153815, 34087978). Functional studies show that this variant may disrupt protein function (PMID: 8077845, 10619999). A different variant at the same position has been determined to be Pathogenic or Likely Pathogenic. Computational prediction algorithms indicate this variant is likely to affect gene or protein function. Given the available evidence, this variant is classified as Pathogenic.

Labcorp Genetics (formerly Invitae), Labcorp
Classification: Pathogenic. Last evaluated: 2025-03-24. Review status: criteria provided, single submitter. Criteria: Invitae Variant Classification Sherloc (09022015). Collection method: clinical testing. Allele origin: germline.
Comment: This sequence change replaces leucine, which is neutral and non-polar, with arginine, which is basic and polar, at codon 279 of the LPL protein (p.Leu279Arg). This variant is present in population databases (rs35414700, gnomAD 0.03%). This missense change has been observed in individual(s) with chylomicronemia (PMID: 8077845, 27153815, 29479812). In at least one individual the data is consistent with being in trans (on the opposite chromosome) from a pathogenic variant. This variant is also known as Leu252Arg. ClinVar contains an entry for this variant (Variation ID: 851236). Invitae Evidence Modeling of protein sequence and biophysical properties (such as structural, functional, and spatial information, amino acid conservation, physicochemical variation, residue mobility, and thermodynamic stability) indicates that this missense variant is expected to disrupt LPL protein function with a positive predictive value of 80%. Experimental studies have shown that this missense change affects LPL function (PMID: 8077845). This variant disrupts the p.Leu279 amino acid residue in LPL. Other variant(s) that disrupt this residue have been determined to be pathogenic (PMID: 10560236, 10619999). This suggests that this residue is clinically significant, and that variants that disrupt this residue are likely to be disease-causing. For these reasons, this variant has been classified as Pathogenic.

Ambry Genetics
Classification: Pathogenic for Cardiovascular phenotype. Last evaluated: 2024-11-14. Review status: criteria provided, single submitter. Criteria: Ambry Variant Classification Scheme 2023. Collection method: clinical testing. Allele origin: germline.
Comment: The p.L279R pathogenic mutation (also known as c.836T>G), located in coding exon 6 of the LPL gene, results from a T to G substitution at nucleotide position 836. The leucine at codon 279 is replaced by arginine, an amino acid with dissimilar properties. This variant has been identified in the homozygous state and/or in conjunction with other LPL variant(s) in individual(s) with features consistent with LPL-related chylomicronemia syndrome (Ma Y et al. J Lipid Res, 1994 Jun;35:1066-75; Chan L et al. Eur J Clin Invest, 2000 Jan;30:33-40; Ng PC et al. J Paediatr Child Health, 2001 Jun;37:314-6; Nierman MC et al. J Inherit Metab Dis, 2006 Oct;29:686; Zhang Y et al. Lipids Health Dis, 2016 May;15:88; Jin JL et al. EBioMedicine, 2018 Dec;38:171-177). In multiple assays testing LPL function, this variant showed functionally abnormal results (Ma Y et al. J Lipid Res, 1994 Jun;35:1066-75; Chan L et al. Eur J Clin Invest, 2000 Jan;30:33-40). Based on internal structural analysis, this variant is anticipated to result in a significant decrease in structural stability (Ambry internal data). Another variant at the same codon, p.L279V (c.835C>G), has been detected in the homozygous state and/or in conjunction with other LPL variant(s) in individual(s) with features consistent with chylomicronemia syndrome; in at least one instance, the variants were identified in trans (Chen TZ et al. Lipids Health Dis, 2014 Mar;13:52; Liu Y et al. J Clin Lipidol, 2016 Sep;10:199-203.e1; Nierman MC et al. J Inherit Metab Dis, 2006 Oct;29:686; Li X et al. Lipids Health Dis, 2018 Jun;17:144; Poon SWY et al. Endocrinol Diabetes Metab Case Rep, 2019 Jul;2019:1-5; Han P et al. J Cell Mol Med. 2020 Jan;24(2):1286-1299). This variant is considered to be rare based on population cohorts in the Genome Aggregation Database (gnomAD). In addition, this alteration is predicted to be deleterious by in silico analysis. Based on the supporting evidence, this variant is interpreted as a disease-causing mutation.

3billion
Classification: Pathogenic for Hyperlipoproteinemia, type I. Last evaluated: 2022-01-03. Review status: criteria provided, single submitter. Criteria: ACMG Guidelines, 2015. Collection method: clinical testing. Allele origin: germline. Affected: yes. Observed: 1 heterozygote.
Comment: Functional studies provide strong evidence of the variant having a damaging effect on the gene or gene product (PMID: 10619999, PS3_S). The variant has been reported to be in trans with a pathogenic variant as either compound heterozygous or homozygous in at least one similarly affected unrelated individual (PMID: 10619999, 3billion dataset, PM3_M). A different missense change at the same codon has been reported as pathogenic/likely pathogenic with strong evidence (ClinVar ID: VCV000855588, PM5_M). In silico tool predictions suggest damaging effect of the variant on gene or gene product (REVEL: 0.891, PP3_P). A missense variant is a common mechanism associated with Lipoprotein lipase deficiency (PP2_P). It is observed at an extremely low frequency in the gnomAD v2.1.1 dataset (total allele frequency: 0.000018, PM2_M). Therefore, this variant is classified as pathogenic according to the recommendation of ACMG/AMP guideline.

Literature cited by the submitters: PubMed 27153815 (cited by 3 submitters); PubMed 34087978 (cited by Natera, Inc.); PubMed 8077845 (cited by 4 submitters); PubMed 10619999 (cited by 4 submitters); PubMed 29479812 (cited by Labcorp Genetics (formerly Invitae), Labcorp); PubMed 10560236 (cited by Labcorp Genetics (formerly Invitae), Labcorp); PubMed 11468054 (cited by Ambry Genetics); PubMed 16972177 (cited by Ambry Genetics); PubMed 30420299 (cited by Ambry Genetics).